The following is an entry in ClinVar:

NM_004881.5(TP53I3):c.138+5C>A

Genes: FAM228B (family with sequence similarity 228 member B; plus strand), TP53I3 (tumor protein p53 inducible protein 3; minus strand). Cytogenetic location: 2p23.3.
Variant type: single nucleotide variant.
Coding change: c.138+5C>A on transcript NM_004881.5 (MANE Select); 5 bases into the intron after coding-DNA position 138, C replaced by A.
Molecular consequence: intron variant.
Genome position (GRCh38, 1-based): chr2:24,084,184, G>T on the plus strand (C>A on the coding strand, the complement: TP53I3 is on the minus strand). VCF-style: chr2-24084184-G-T. GRCh37 (hg19) VCF-style: chr2-24307054-G-T.
Other names: c.-210+3229G>T (NM_001291328.2); c.138+5C>A (NM_147184.4, NM_001206802.2).
Identifiers: ClinVar variation 3034951 (VCV003034951.2), dbSNP rs200700296, ClinGen allele CA1549706.

ClinVar aggregate classification (germline): Likely benign (0 of 4 stars; one submission).

Conditions:
TP53I3-related disorder. Also called: TP53I3-related condition.

Allele frequency attached by ClinVar (database versions not stated): TOPMed 0.00006.
gnomAD v4.1: 203 of 1,609,824 alleles (0.013%); highest among the groups gnomAD compares: Non-Finnish European, 0.016%; no homozygotes.

Submission:

PreventionGenetics, part of Exact Sciences
Classification: Likely benign for TP53I3-related condition. Last evaluated: 2022-12-29. Review status: no assertion criteria provided. Collection method: clinical testing. Allele origin: germline.
Comment: This variant is classified as likely benign based on ACMG/AMP sequence variant interpretation guidelines (Richards et al. 2015 PMID: 25741868, with internal and published modifications).